The following is an entry in ClinVar:

ClinVar aggregate classification (germline): Uncertain significance. Review status: criteria provided, multiple submitters, no conflicts (2 of 4 stars). 2 submissions from 2 submitters: Uncertain significance (2). Last evaluated 2023-11-20.

Conditions:
Wilson disease (WND). Also called: Wilson's disease. Identifiers: Orphanet 905, MedGen C0019202, MONDO:0010200, OMIM 277900. Disease mechanism: loss of function.

Allele frequency attached by ClinVar (database versions not stated): gnomAD exomes below 0.00001.

Submissions (2):

All of Us Research Program, National Institutes of Health
Classification: Uncertain significance for Wilson disease. Last evaluated: 2023-11-20. Review status: criteria provided, single submitter. Criteria: ACMG Guidelines, 2015. Collection method: clinical testing. Allele origin: germline. Inheritance: Autosomal recessive inheritance. Observed: 1 variant allele, 1 heterozygote.
Comment: This missense variant replaces serine with cysteine at codon 1272 of the ATP7B protein. Computational prediction suggests that this variant may have deleterious impact on protein structure and function (internally defined REVEL score threshold >= 0.7, PMID: 27666373). This variant alters a conserved serine residue in the phosphorylation domain of the ATP7B protein (a.a. 1004 - 1031, 1197 - 1312), a highly conserved region that is considered to be important for ATP7B protein function (PMID: 35245129; ClinVar). To our knowledge, functional studies have not been reported for this variant. This variant has not been reported in individuals affected with autosomal recessive Wilson disease in the literature. This variant has not been identified in the general population by the Genome Aggregation Database (gnomAD). The available evidence is insufficient to determine the role of this variant in disease conclusively. Therefore, this variant is classified as a Variant of Uncertain Significance.

This study involves interpretation of variants in research participants for the purpose of population health screening. Participant phenotype was not available at the time of variant classification. Additional details can be found in publication PMID: 35346344, PMCID: PMC8962531

Color Diagnostics, LLC DBA Color Health
Classification: Uncertain significance for Wilson disease. Last evaluated: 2023-10-31. Review status: criteria provided, single submitter. Criteria: ACMG Guidelines, 2015. Collection method: clinical testing. Allele origin: germline.
Comment: This missense variant replaces serine with cysteine at codon 1272 of the ATP7B protein. Computational prediction suggests that this variant may have deleterious impact on protein structure and function. This variant alters a conserved serine residue in the phosphorylation domain of the ATP7B protein (a.a. 1004 - 1031, 1197 - 1312), a highly conserved region that is considered to be important for ATP7B protein function (PMID: 35245129ClinVar). To our knowledge, functional studies have not been reported for this variant. This variant has not been reported in individuals affected with autosomal recessive Wilson disease in the literature. This variant has not been identified in the general population by the Genome Aggregation Database (gnomAD). The available evidence is insufficient to determine the role of this variant in disease conclusively. Therefore, this variant is classified as a Variant of Uncertain Significance.

Literature cited by the submitters: PubMed 35245129 (cited by All of Us Research Program, National Institutes of Health and Color Diagnostics, LLC DBA Color Health).

NM_000053.4(ATP7B):c.3815C>G (p.Ser1272Cys)

Gene: ATP7B (ATPase copper transporting beta; minus strand). Cytogenetic location: 13q14.3.
Variant type: single nucleotide variant.
Coding change: c.3815C>G on transcript NM_000053.4 (MANE Select); coding-DNA position 3815, C replaced by G.
Protein change: p.Ser1272Cys; replaces serine 1272 with cysteine.
Molecular consequence: missense variant. On other transcripts: intron variant (1).
Genome position (GRCh38, 1-based): chr13:51,937,564, G>C on the plus strand (C>G on the coding strand, the complement: ATP7B is on the minus strand). VCF-style: chr13-51937564-G-C. GRCh37 (hg19) VCF-style: chr13-52511700-G-C.
Other names: c.3761C>G, p.Ser1254Cys (NM_001406516.1, NM_001406515.1); c.3719C>G, p.Ser1240Cys (NM_001406517.1, NM_001406518.1); c.3680C>G, p.Ser1227Cys (NM_001406519.1); c.3671C>G, p.Ser1224Cys (NM_001406520.1, NM_001406521.1, NM_001406522.1); c.3632C>G, p.Ser1211Cys (NM_001406523.1); c.3638C>G, p.Ser1213Cys (NM_001406524.1); c.3620C>G, p.Ser1207Cys (NM_001406525.1); c.3581C>G, p.Ser1194Cys (NM_001406527.1, NM_001406528.1, NM_001330578.2); and 21 more; short protein forms S1045C, S1056C, S1065C, S1078C, S1108C, S1110C, S1123C, S1129C.
Identifiers: ClinVar variation 3074444 (VCV003074444.2), dbSNP rs1957045038, ClinGen allele CA388021913.
Genomic context (GRCh38, chr13:51,937,564, plus strand): 5'-ATGGCCACATCCGTGCCGGTGCCAATGGCCACACCCATGTCTGCCTGGGCCAAGGCCGGG[G>C]AGTCATTGACCCCATCCCCCACCATGGCGACTTTCTTCCCTTTATTCTGGAGCTCCTGGA-3'
Protein context (NP_000044.2, residues 1262-1282): VAMVGDGVND[Ser1272Cys]PALAQADMGV